The following is an entry in ClinVar:

ClinVar aggregate classification (germline): Uncertain significance (1 of 4 stars; one submission).

Conditions:
Hereditary cancer-predisposing syndrome. Also called: Tumor predisposition; Hereditary Cancer Syndrome; Neoplastic Syndromes, Hereditary; Hereditary neoplastic syndrome. Identifiers: Orphanet 140162, MedGen C0027672, MeSH D009386, MONDO:0015356.

Allele frequency attached by ClinVar (database versions not stated): gnomAD exomes below 0.00001.
gnomAD v4.1: 1 of 1,576,190 alleles (0.000063%); no homozygotes.

Submission:

Ambry Genetics
Classification: Uncertain significance for Hereditary cancer-predisposing syndrome. Last evaluated: 2022-10-15. Review status: criteria provided, single submitter. Criteria: Ambry Variant Classification Scheme 2023. Collection method: clinical testing. Allele origin: germline.
Comment: The p.A87D variant (also known as c.260C>A), located in coding exon 1 of the ALK gene, results from a C to A substitution at nucleotide position 260. The alanine at codon 87 is replaced by aspartic acid, an amino acid with dissimilar properties. This amino acid position is conserved. In addition, this alteration is predicted to be tolerated by in silico analysis. Since supporting evidence is limited at this time, the clinical significance of this alteration remains unclear.

NM_004304.5(ALK):c.260C>A (p.Ala87Asp)

Gene: ALK (ALK receptor tyrosine kinase; minus strand). Cytogenetic location: 2p23.1.
Variant type: single nucleotide variant.
Coding change: c.260C>A on transcript NM_004304.5 (MANE Select); coding-DNA position 260, C replaced by A.
Protein change: p.Ala87Asp; replaces alanine 87 with aspartic acid.
Molecular consequence: missense variant.
Genome position (GRCh38, 1-based): chr2:29,920,400, G>T on the plus strand (C>A on the coding strand, the complement: ALK is on the minus strand). VCF-style: chr2-29920400-G-T. GRCh37 (hg19) VCF-style: chr2-30143266-G-T.
Other names: short protein forms A87D.
Identifiers: ClinVar variation 1793770 (VCV001793770.2), dbSNP rs2148443609, ClinGen allele CA346590381.